The following is an entry in ClinVar:

NM_021116.4(ADCY1):c.2449G>T (p.Ala817Ser)

Gene: ADCY1 (adenylate cyclase 1; plus strand). Cytogenetic location: 7p12.3.
Variant type: single nucleotide variant.
Coding change: c.2449G>T on transcript NM_021116.4 (MANE Select); coding-DNA position 2449, G replaced by T.
Protein change: p.Ala817Ser; replaces alanine 817 with serine.
Molecular consequence: missense variant.
Genome position (GRCh38, 1-based): chr7:45,686,668, G>T. VCF-style: chr7-45686668-G-T. GRCh37 (hg19) VCF-style: chr7-45726267-G-T.
Other names: short protein forms A817S.
Identifiers: ClinVar variation 3010138 (VCV003010138.3), dbSNP rs767070534, ClinGen allele CA367441139.

ClinVar aggregate classification (germline): Uncertain significance (1 of 4 stars; one submission).

Submission:

Labcorp Genetics (formerly Invitae), Labcorp
Classification: Uncertain significance. Last evaluated: 2023-11-02. Review status: criteria provided, single submitter. Criteria: Invitae Variant Classification Sherloc (09022015). Collection method: clinical testing. Allele origin: germline.
Comment: This sequence change replaces alanine, which is neutral and non-polar, with serine, which is neutral and polar, at codon 817 of the ADCY1 protein (p.Ala817Ser). This variant is not present in population databases (gnomAD no frequency). This variant has not been reported in the literature in individuals affected with ADCY1-related conditions. Advanced modeling of protein sequence and biophysical properties (such as structural, functional, and spatial information, amino acid conservation, physicochemical variation, residue mobility, and thermodynamic stability) performed at Invitae indicates that this missense variant is not expected to disrupt ADCY1 protein function with a negative predictive value of 80%. In summary, the available evidence is currently insufficient to determine the role of this variant in disease. Therefore, it has been classified as a Variant of Uncertain Significance.